The following is an entry in ClinVar:

NM_001379500.1(COL18A1):c.920C>T (p.Ser307Leu)

Gene: COL18A1 (collagen type XVIII alpha 1 chain; plus strand). Cytogenetic location: 21q22.3.
Variant type: single nucleotide variant.
Coding change: c.920C>T on transcript NM_001379500.1 (MANE Select); coding-DNA position 920, C replaced by T.
Protein change: p.Ser307Leu; replaces serine 307 with leucine.
Molecular consequence: missense variant.
Genome position (GRCh38, 1-based): chr21:45,476,472, C>T. VCF-style: chr21-45476472-C-T. GRCh37 (hg19) VCF-style: chr21-46896386-C-T.
Other names: c.1460C>T, p.Ser487Leu (NM_030582.4); c.2165C>T, p.Ser722Leu (NM_130444.3); c.1460C>T (NM_030582.3); short protein forms S307L, S487L, S722L.
Identifiers: ClinVar variation 1147204 (VCV001147204.12), dbSNP rs200882031, ClinGen allele CA10065986.

ClinVar aggregate classification (germline): Likely benign. Review status: criteria provided, multiple submitters, no conflicts (2 of 4 stars). 3 submissions from 3 submitters: Likely benign (2). 1 of the submissions does not count toward it. Last evaluated 2026-01-24.

Conditions:
COL18A1-related disorder. Also called: COL18A1-related disorders; COL18A1-related condition.

Allele frequency attached by ClinVar (database versions not stated): gnomAD exomes 0.00010 and 0.00022; 1000 Genomes Project 30x 0.00016; 1000 Genomes Project 0.00020; ExAC 0.00031; gnomAD 0.00082 and 0.00089; ESP Exome Variant Server 0.00086; TOPMed 0.00090.
gnomAD v4.1: 284 of 1,607,268 alleles (0.018%); highest among the groups gnomAD compares: African/African-American, 0.28%; 1 homozygote.

Submissions (3):

Labcorp Genetics (formerly Invitae), Labcorp
Classification: Likely benign. Last evaluated: 2026-01-24. Review status: criteria provided, single submitter. Criteria: Invitae Variant Classification Sherloc (09022015). Collection method: clinical testing. Allele origin: germline.

Blueprint Genetics
Classification: Likely benign. Last evaluated: 2024-09-19. Review status: criteria provided, single submitter. Criteria: ACMG Guidelines, 2015. Collection method: clinical testing. Allele origin: germline.

PreventionGenetics, part of Exact Sciences
Classification: Likely benign for COL18A1-related condition. Last evaluated: 2022-04-21. Review status: no assertion criteria provided. Collection method: clinical testing. Allele origin: germline. Not counted in ClinVar's aggregate classification.
Comment: This variant is classified as likely benign based on ACMG/AMP sequence variant interpretation guidelines (Richards et al. 2015 PMID: 25741868, with internal and published modifications).